The following is an entry in ClinVar:

ClinVar aggregate classification (germline): Uncertain significance (1 of 4 stars; one submission).

Allele frequency attached by ClinVar (database versions not stated): TOPMed 0.00002.
gnomAD v4.1: 2 of 1,551,722 alleles (0.00013%); highest among the groups gnomAD compares: Admixed American, 0.0039%; no homozygotes.

Submission:

Labcorp Genetics (formerly Invitae), Labcorp
Classification: Uncertain significance. Last evaluated: 2022-03-01. Review status: criteria provided, single submitter. Criteria: Invitae Variant Classification Sherloc (09022015). Collection method: clinical testing. Allele origin: germline.
Comment: This sequence change replaces serine, which is neutral and polar, with leucine, which is neutral and non-polar, at codon 960 of the LOXHD1 protein (p.Ser960Leu). This variant is not present in population databases (gnomAD no frequency). This variant has not been reported in the literature in individuals affected with LOXHD1-related conditions. Algorithms developed to predict the effect of missense changes on protein structure and function are either unavailable or do not agree on the potential impact of this missense change (SIFT: "Deleterious"; PolyPhen-2: "Benign"; Align-GVGD: "Class C0"). In summary, the available evidence is currently insufficient to determine the role of this variant in disease. Therefore, it has been classified as a Variant of Uncertain Significance.

NM_001384474.1(LOXHD1):c.2879C>T (p.Ser960Leu)

Gene: LOXHD1 (lipoxygenase homology PLAT domains 1; minus strand). Cytogenetic location: 18q21.1.
Variant type: single nucleotide variant.
Coding change: c.2879C>T on transcript NM_001384474.1 (MANE Select); coding-DNA position 2879, C replaced by T.
Protein change: p.Ser960Leu; replaces serine 960 with leucine.
Molecular consequence: missense variant.
Genome position (GRCh38, 1-based): chr18:46,560,265, G>A on the plus strand (C>T on the coding strand, the complement: LOXHD1 is on the minus strand). VCF-style: chr18-46560265-G-A. GRCh37 (hg19) VCF-style: chr18-44140228-G-A.
Other names: c.2879C>T, p.Ser960Leu (NM_144612.7); short protein forms S960L.
Identifiers: ClinVar variation 2162316 (VCV002162316.1), dbSNP rs1290539447, ClinGen allele CA402370753.